The following is an entry in ClinVar:

NM_024649.5(BBS1):c.690dup (p.Leu231fs)

Gene: BBS1 (Bardet-Biedl syndrome 1; plus strand). Cytogenetic location: 11q13.2.
Variant type: Duplication.
Coding change: c.690dup on transcript NM_024649.5 (MANE Select); coding-DNA position 690, one base duplicated (G; older notation c.690dupG).
Protein change: p.Leu231fs; shifts the reading frame from leucine 231.
Molecular consequence: frameshift variant.
Genome position (GRCh38, 1-based): chr11:66,519,715, G duplicated. VCF-style (leftmost placement, unchanged base first): chr11-66519714-T-TG. GRCh37 (hg19) VCF-style: chr11-66287185-T-TG.
Other names: short protein forms L231fs.
Identifiers: ClinVar variation 2033506 (VCV002033506.4), dbSNP rs2495752844, ClinGen allele CA2580084557.

ClinVar aggregate classification (germline): Pathogenic (1 of 4 stars; one submission).

Conditions:
Bardet-Biedl syndrome (BBS). Identifiers: Orphanet 110, MedGen C0752166, MONDO:0015229.

Submission:

Labcorp Genetics (formerly Invitae), Labcorp
Classification: Pathogenic for Bardet-Biedl syndrome. Last evaluated: 2022-09-30. Review status: criteria provided, single submitter. Criteria: Invitae Variant Classification Sherloc (09022015). Collection method: clinical testing. Allele origin: germline.
Comment: This variant is not present in population databases (gnomAD no frequency). This sequence change creates a premature translational stop signal (p.Leu231Alafs*2) in the BBS1 gene. It is expected to result in an absent or disrupted protein product. Loss-of-function variants in BBS1 are known to be pathogenic (PMID: 12118255, 21520335, 27032803). This variant has not been reported in the literature in individuals affected with BBS1-related conditions. For these reasons, this variant has been classified as Pathogenic.

Literature cited by the submitters: PubMed 12118255; PubMed 21520335; PubMed 27032803.